The following is an entry in ClinVar:

NM_133497.4(KCNV2):c.1012G>A (p.Val338Met)

Gene: KCNV2 (potassium voltage-gated channel modifier subfamily V member 2; plus strand). Cytogenetic location: 9p24.2.
Variant type: single nucleotide variant.
Coding change: c.1012G>A on transcript NM_133497.4 (MANE Select); coding-DNA position 1012, G replaced by A.
Protein change: p.Val338Met; replaces valine 338 with methionine.
Molecular consequence: missense variant.
Genome position (GRCh38, 1-based): chr9:2,718,751, G>A. VCF-style: chr9-2718751-G-A. GRCh37 (hg19) VCF-style: chr9-2718751-G-A.
Other names: short protein forms V338M.
Identifiers: ClinVar variation 935867 (VCV000935867.9), dbSNP rs1819799162, ClinGen allele CA372801350.

ClinVar aggregate classification (germline): Uncertain significance (1 of 4 stars; one submission).

gnomAD v4.1: 2 of 1,611,626 alleles (0.00012%); highest among the groups gnomAD compares: East Asian, 0.0045%; no homozygotes.

Submission:

Labcorp Genetics (formerly Invitae), Labcorp
Classification: Uncertain significance. Last evaluated: 2022-10-05. Review status: criteria provided, single submitter. Criteria: Invitae Variant Classification Sherloc (09022015). Collection method: clinical testing. Allele origin: germline.
Comment: Advanced modeling of protein sequence and biophysical properties (such as structural, functional, and spatial information, amino acid conservation, physicochemical variation, residue mobility, and thermodynamic stability) performed at Invitae indicates that this missense variant is not expected to disrupt KCNV2 protein function. ClinVar contains an entry for this variant (Variation ID: 935867). This variant has not been reported in the literature in individuals affected with KCNV2-related conditions. This variant is not present in population databases (gnomAD no frequency). This sequence change replaces valine, which is neutral and non-polar, with methionine, which is neutral and non-polar, at codon 338 of the KCNV2 protein (p.Val338Met). In summary, the available evidence is currently insufficient to determine the role of this variant in disease. Therefore, it has been classified as a Variant of Uncertain Significance.